The following is an entry in ClinVar:

ClinVar aggregate classification (germline): Uncertain significance (1 of 4 stars; one submission).

Conditions:
Kabuki syndrome. Also called: Kabuki make-up syndrome; NIIKAWA-KUROKI SYNDROME. Identifiers: Orphanet 2322, MedGen C0796004, MONDO:0016512.

Submission:

Labcorp Genetics (formerly Invitae), Labcorp
Classification: Uncertain significance for Kabuki syndrome. Last evaluated: 2023-10-29. Review status: criteria provided, single submitter. Criteria: Invitae Variant Classification Sherloc (09022015). Collection method: clinical testing. Allele origin: germline.
Comment: This variant, c.4065_4067del, results in the deletion of 1 amino acid(s) of the KMT2D protein (p.Glu1355del), but otherwise preserves the integrity of the reading frame. This variant is not present in population databases (gnomAD no frequency). This variant has not been reported in the literature in individuals affected with KMT2D-related conditions. Experimental studies and prediction algorithms are not available or were not evaluated, and the functional significance of this variant is currently unknown. In summary, the available evidence is currently insufficient to determine the role of this variant in disease. Therefore, it has been classified as a Variant of Uncertain Significance.

NM_003482.4(KMT2D):c.4062AGA[1] (p.Glu1355del)

Gene: KMT2D (lysine methyltransferase 2D; minus strand). Cytogenetic location: 12q13.12.
Variant type: Microsatellite.
Coding change: c.4062AGA[1] on transcript NM_003482.4 (MANE Select); one copy of the 3-base unit AGA starting at c.4062; the reference has two copies in a row; one copy, 3 bases deleted.
Protein change: p.Glu1355del; deletes glutamic acid 1355.
Molecular consequence: inframe deletion.
Genome position (GRCh38, 1-based): chr12:49,048,723-49,048,725, TCT deleted on the plus strand (AGA on the coding strand, the reverse complement: KMT2D is on the minus strand); deleting any 3 consecutive bases within chr12:49,048,723-49,048,730 gives the same sequence; the position shown is the placement nearest the transcript's 3' end. VCF-style (leftmost placement, unchanged base first): chr12-49048722-ATCT-A. GRCh37 (hg19) VCF-style: chr12-49442505-ATCT-A.
Other names: short protein forms E1355del.
Identifiers: ClinVar variation 3013201 (VCV003013201.3), dbSNP rs2498437062, ClinGen allele CA2740092379.